The following is an entry in ClinVar:

ClinVar aggregate classification (germline): Benign/Likely benign. Review status: criteria provided, multiple submitters, no conflicts (2 of 4 stars). 3 submissions from 3 submitters: Benign (1); Likely benign (2). Last evaluated 2022-02-07.

Conditions:
Inborn genetic diseases. Identifiers: MedGen C0950123, MeSH D030342.
Diabetes insipidus, nephrogenic, X-linked. Also called: Nephrogenic Diabetes Insipidus, Type I. Identifiers: Orphanet 223, MedGen C1563705, MONDO:0010581, OMIM 304800.
Nephrogenic syndrome of inappropriate antidiuresis (NSIAD). Identifiers: Orphanet 93606, MedGen C1845202, MONDO:0010356, OMIM 300539.

Allele frequency attached by ClinVar (database versions not stated): gnomAD exomes 0.00002 and 0.00005; ExAC 0.00005; gnomAD 0.00008 and 0.00009; TOPMed 0.00011; ESP Exome Variant Server 0.00019.

Submissions (3):

Fulgent Genetics
Classification: Likely benign for Nephrogenic syndrome of inappropriate antidiuresis; Diabetes insipidus, nephrogenic, X-linked. Last evaluated: 2022-02-07. Review status: criteria provided, single submitter. Criteria: ACMG Guidelines, 2015. Collection method: clinical testing. Allele origin: unknown.

Ambry Genetics
Classification: Likely benign for Inborn genetic diseases. Last evaluated: 2021-08-23. Review status: criteria provided, single submitter. Criteria: Ambry Variant Classification Scheme 2023. Collection method: clinical testing. Allele origin: germline.

Illumina Laboratory Services, Illumina
Classification: Benign for Diabetes insipidus, nephrogenic, X-linked. Last evaluated: 2018-01-12. Review status: criteria provided, single submitter. Criteria: ICSL Variant Classification Criteria 13 December 2019. Collection method: clinical testing. Allele origin: germline.
Comment: This variant was observed in the ICSL laboratory as part of a predisposition screen in an ostensibly healthy population. It had not been previously curated by ICSL or reported in the Human Gene Mutation Database (HGMD: prior to June 1st, 2018), and was therefore a candidate for classification through an automated scoring system. Utilizing variant allele frequency, disease prevalence and penetrance estimates, and inheritance mode, an automated score was calculated to assess if this variant is too frequent to cause the disease. Based on the score and internal cut-off values, a variant classified as benign is not then subjected to further curation. The score for this variant resulted in a classification of benign for this disease.

NM_000054.7(AVPR2):c.769G>A (p.Gly257Ser)

Gene: AVPR2 (arginine vasopressin receptor 2; plus strand). Cytogenetic location: Xq28.
Variant type: single nucleotide variant.
Coding change: c.769G>A on transcript NM_000054.7 (MANE Select); coding-DNA position 769, G replaced by A.
Protein change: p.Gly257Ser; replaces glycine 257 with serine.
Molecular consequence: missense variant. On other transcripts: non-coding transcript variant (1).
Genome position (GRCh38, 1-based): chrX:153,906,275, G>A. VCF-style: chrX-153906275-G-A. GRCh37 (hg19) VCF-style: chrX-153171729-G-A.
Other names: c.769G>A, p.Gly257Ser (NM_001146151.3); short protein forms G257S.
Identifiers: ClinVar variation 914619 (VCV000914619.7), dbSNP rs143480277, ClinGen allele CA10555068.